The following is an entry in ClinVar:

ClinVar aggregate classification (germline): Uncertain significance (1 of 4 stars; one submission).

Submission:

Labcorp Genetics (formerly Invitae), Labcorp
Classification: Uncertain significance. Last evaluated: 2024-05-21. Review status: criteria provided, single submitter. Criteria: Invitae Variant Classification Sherloc (09022015). Collection method: clinical testing. Allele origin: germline.
Comment: This sequence change replaces arginine, which is basic and polar, with serine, which is neutral and polar, at codon 281 of the HSPG2 protein (p.Arg281Ser). This variant is not present in population databases (gnomAD no frequency). This variant has not been reported in the literature in individuals affected with HSPG2-related conditions. ClinVar contains an entry for this variant (Variation ID: 1971664). Algorithms developed to predict the effect of missense changes on protein structure and function output the following: SIFT: "Not Available"; PolyPhen-2: "Benign"; Align-GVGD: "Not Available". The serine amino acid residue is found in multiple mammalian species, which suggests that this missense change does not adversely affect protein function. In summary, the available evidence is currently insufficient to determine the role of this variant in disease. Therefore, it has been classified as a Variant of Uncertain Significance.

NM_005529.7(HSPG2):c.843G>T (p.Arg281Ser)

Gene: HSPG2 (heparan sulfate proteoglycan 2; minus strand). Cytogenetic location: 1p36.12.
Variant type: single nucleotide variant.
Coding change: c.843G>T on transcript NM_005529.7 (MANE Select); coding-DNA position 843, G replaced by T.
Protein change: p.Arg281Ser; replaces arginine 281 with serine.
Molecular consequence: missense variant.
Genome position (GRCh38, 1-based): chr1:21,887,535, C>A on the plus strand (G>T on the coding strand, the complement: HSPG2 is on the minus strand). VCF-style: chr1-21887535-C-A. GRCh37 (hg19) VCF-style: chr1-22214028-C-A.
Other names: c.843G>T, p.Arg281Ser (NM_001291860.2); short protein forms R281S.
Identifiers: ClinVar variation 1971664 (VCV001971664.5), dbSNP rs2550801419, ClinGen allele CA338969455.